The following is an entry in ClinVar:

ClinVar aggregate classification (germline): Uncertain significance. Review status: criteria provided, multiple submitters, no conflicts (2 of 4 stars). 2 submissions from 2 submitters: Uncertain significance (2). Last evaluated 2023-10-17.

Conditions:
Inborn genetic diseases. Identifiers: MedGen C0950123, MeSH D030342.

Allele frequency attached by ClinVar (database versions not stated): gnomAD exomes below 0.00001 and 0.00001; ExAC 0.00001.
gnomAD v4.1: 12 of 1,613,770 alleles (0.00074%); highest among the groups gnomAD compares: Non-Finnish European, 0.001%; no homozygotes.

Submissions (2):

Ambry Genetics
Classification: Uncertain significance for Inborn genetic diseases. Last evaluated: 2023-10-17. Review status: criteria provided, single submitter. Criteria: Ambry Variant Classification Scheme 2023. Collection method: clinical testing. Allele origin: germline.

GeneDx
Classification: Uncertain significance. Last evaluated: 2020-08-26. Review status: criteria provided, single submitter. Criteria: GeneDx Variant Classification Process June 2021. Collection method: clinical testing. Allele origin: germline. Affected: yes.
Comment: Not observed at a significant frequency in large population cohorts (Lek et al., 2016); In silico analysis supports that this missense variant does not alter protein structure/function; Has not been previously published as pathogenic or benign to our knowledge

NM_001164508.2(NEB):c.5651C>T (p.Ser1884Phe)

Gene: NEB (nebulin; minus strand). Cytogenetic location: 2q23.3.
Variant type: single nucleotide variant.
Coding change: c.5651C>T on transcript NM_001164508.2 (MANE Select); coding-DNA position 5651, C replaced by T.
Protein change: p.Ser1884Phe; replaces serine 1884 with phenylalanine.
Molecular consequence: missense variant.
Genome position (GRCh38, 1-based): chr2:151,663,660, G>A on the plus strand (C>T on the coding strand, the complement: NEB is on the minus strand). VCF-style: chr2-151663660-G-A. GRCh37 (hg19) VCF-style: chr2-152520174-G-A.
Other names: c.5651C>T, p.Ser1884Phe (NM_001164507.2, NM_001271208.2, NM_004543.5); c.5651C>T (NM_004543.4); short protein forms S1884F.
Identifiers: ClinVar variation 1302925 (VCV001302925.3), dbSNP rs780988604, ClinGen allele CA1910320.